The following is an entry in ClinVar:

NM_000051.4(ATM):c.8010+5T>G

Genes: ATM (ATM serine/threonine kinase; plus strand), C11orf65 (chromosome 11 open reading frame 65; minus strand). Cytogenetic location: 11q22.3.
Variant type: single nucleotide variant.
Coding change: c.8010+5T>G on transcript NM_000051.4 (MANE Select); 5 bases into the intron after coding-DNA position 8010, T replaced by G.
Molecular consequence: intron variant.
Genome position (GRCh38, 1-based): chr11:108,333,973, T>G. VCF-style: chr11-108333973-T-G. GRCh37 (hg19) VCF-style: chr11-108204700-T-G.
Other names: c.8010+5T>G (NM_001351834.2); c.641-24902A>C (NM_001330368.2); c.*38+1247A>C (NM_001351110.2).
Identifiers: ClinVar variation 482690 (VCV000482690.16), dbSNP rs56256497, ClinGen allele CA658656202.

ClinVar aggregate classification (germline): Conflicting classifications of pathogenicity. Review status: criteria provided, conflicting classifications (1 of 4 stars). 4 submissions from 4 submitters: Uncertain significance (1); Likely benign (3). Last evaluated 2024-06-18.

Conditions:
Hereditary cancer-predisposing syndrome. Also called: Neoplastic Syndromes, Hereditary; Hereditary Cancer Syndrome; Tumor predisposition; Hereditary neoplastic syndrome. Identifiers: Orphanet 140162, MedGen C0027672, MeSH D009386, MONDO:0015356.
Familial cancer of breast. Also called: Hereditary breast cancer; BREAST CANCER, FAMILIAL; hereditary breast carcinoma. Identifiers: Orphanet 227535, MedGen C0346153, MONDO:0016419, OMIM 114480. Disease mechanism: loss of function.
Ataxia-telangiectasia syndrome (AT). Also called: LOUIS-BAR SYNDROME; Cerebello-oculocutaneous telangiectasia; Immunodeficiency with ataxia telangiectasia; Ataxia-telangiectasia, complementation group D; AT, COMPLEMENTATION GROUP C; Ataxia-telangiectasia, complementation group E. Identifiers: Orphanet 100, MedGen C0004135, MONDO:0008840, OMIM 208900.

gnomAD v4.1: 1 of 1,593,644 alleles (0.000063%); highest among the groups gnomAD compares: Non-Finnish European, 0.000086%; no homozygotes.

Submissions (4):

Myriad Genetics, Inc.
Classification: Likely benign for Familial cancer of breast. Last evaluated: 2024-06-18. Review status: criteria provided, single submitter. Criteria: Myriad Autosomal Dominant, Autosomal Recessive and X-Linked Classification Criteria (2023). Collection method: clinical testing. Allele origin: unknown.
Comment: This variant is considered likely benign. This variant is intronic and is not expected to impact mRNA splicing.

Labcorp Genetics (formerly Invitae), Labcorp
Classification: Likely benign for Ataxia-telangiectasia syndrome. Last evaluated: 2023-10-27. Review status: criteria provided, single submitter. Criteria: Invitae Variant Classification Sherloc (09022015). Collection method: clinical testing. Allele origin: germline.

Color Diagnostics, LLC DBA Color Health
Classification: Uncertain significance for Hereditary cancer-predisposing syndrome. Last evaluated: 2022-09-27. Review status: criteria provided, single submitter. Criteria: ACMG Guidelines, 2015. Collection method: clinical testing. Allele origin: germline.
Comment: This variant causes a T to G nucleotide substitution at the +5 position of intron 54 of the ATM gene. Splice site prediction tools are inconclusive regarding the impact of this variant on RNA splicing. To our knowledge, functional studies have not been reported for this variant. This variant has not been reported in individuals affected with hereditary cancer in the literature. This variant has not been identified in the general population by the Genome Aggregation Database (gnomAD). The available evidence is insufficient to determine the role of this variant in disease conclusively. Therefore, this variant is classified as a Variant of Uncertain Significance.

Ambry Genetics
Classification: Likely benign for Hereditary cancer-predisposing syndrome. Last evaluated: 2022-09-13. Review status: criteria provided, single submitter. Criteria: Ambry Variant Classification Scheme 2023. Collection method: clinical testing. Allele origin: germline.